The following is an entry in ClinVar:

NM_001367624.2(ZNF469):c.2126C>T (p.Pro709Leu)

Gene: ZNF469 (zinc finger protein 469; plus strand). Cytogenetic location: 16q24.2.
Variant type: single nucleotide variant.
Coding change: c.2126C>T on transcript NM_001367624.2 (MANE Select); coding-DNA position 2126, C replaced by T.
Protein change: p.Pro709Leu; replaces proline 709 with leucine.
Molecular consequence: missense variant.
Genome position (GRCh38, 1-based): chr16:88,429,596, C>T. VCF-style: chr16-88429596-C-T. GRCh37 (hg19) VCF-style: chr16-88496004-C-T.
Other names: NM_001127464.1:c.2126C>T; short protein forms P709L.
Identifiers: ClinVar variation 452837 (VCV000452837.6), dbSNP rs1017679214, ClinGen allele CA397069945.

ClinVar aggregate classification (germline): Uncertain significance. Review status: criteria provided, multiple submitters, no conflicts (2 of 4 stars). 4 submissions from 4 submitters: Uncertain significance (4). Last evaluated 2026-03-26.

Conditions:
Cardiovascular phenotype. Identifiers: MedGen CN230736.

Allele frequency attached by ClinVar (database versions not stated): gnomAD 0.00001; TOPMed 0.00001.
gnomAD v4.1: 20 of 1,549,058 alleles (0.0013%); highest among the groups gnomAD compares: African/African-American, 0.0027%; no homozygotes.

Submissions (4):

Women's Health and Genetics/Laboratory Corporation of America, LabCorp
Classification: Uncertain significance. Last evaluated: 2026-03-26. Review status: criteria provided, single submitter. Criteria: LabCorp Variant Classification Summary - May 2015. Collection method: clinical testing. Allele origin: germline.
Comment: Variant summary: ZNF469 c.2126C>T (p.Pro709Leu) results in a non-conservative amino acid change in the encoded protein sequence. Algorithms developed to predict the effect of missense changes on protein structure and function are either unavailable or do not agree on the potential impact of this missense change. The variant was absent in 147122 control chromosomes. The available data on variant occurrences in the general population are insufficient to allow any conclusion about variant significance. To our knowledge, no occurrence of c.2126C>T in individuals affected with ZNF469-related conditions and no experimental evidence demonstrating its impact on protein function have been reported. ClinVar contains an entry for this variant (Variation ID: 452837). Based on the evidence outlined above, the variant was classified as uncertain significance.

Labcorp Genetics (formerly Invitae), Labcorp
Classification: Uncertain significance. Last evaluated: 2024-10-02. Review status: criteria provided, single submitter. Criteria: Invitae Variant Classification Sherloc (09022015). Collection method: clinical testing. Allele origin: germline.
Comment: This sequence change replaces proline, which is neutral and non-polar, with leucine, which is neutral and non-polar, at codon 709 of the ZNF469 protein (p.Pro709Leu). This variant is not present in population databases (gnomAD no frequency). This variant has not been reported in the literature in individuals affected with ZNF469-related conditions. ClinVar contains an entry for this variant (Variation ID: 452837). An algorithm developed to predict the effect of missense changes on protein structure and function outputs the following: PolyPhen-2: "Probably Damaging". The leucine amino acid residue is found in multiple mammalian species, which suggests that this missense change does not adversely affect protein function. In summary, the available evidence is currently insufficient to determine the role of this variant in disease. Therefore, it has been classified as a Variant of Uncertain Significance.

Ambry Genetics
Classification: Uncertain significance for Cardiovascular phenotype. Last evaluated: 2021-07-27. Review status: criteria provided, single submitter. Criteria: Ambry Variant Classification Scheme 2023. Collection method: clinical testing. Allele origin: germline.

GeneDx
Classification: Uncertain significance. Last evaluated: 2017-10-20. Review status: criteria provided, single submitter. Criteria: GeneDx Variant Classification (06012015). Collection method: clinical testing. Allele origin: germline. Affected: yes.
Comment: A variant of uncertain significance has been identified in the ZNF469 gene. The P709L variant has not been published as pathogenic or been reported as benign to our knowledge. This variant is not observed in large population cohorts (Lek et al., 2016). The P709L variant is a semi-conservative amino acid substitution, which may impact secondary protein structure as these residues differ in some properties. In silico analysis predicts this variant is probably damaging to the protein structure/function. However, this substitution occurs at a position that is not conserved across species and where leucine (L) is present as the wild type in several species.